The following is an entry in ClinVar:

ClinVar aggregate classification (germline): Likely benign (1 of 4 stars; one submission).

Submission:

CeGaT Center for Human Genetics Tuebingen
Classification: Likely benign. Last evaluated: 2025-02-01. Review status: criteria provided, single submitter. Criteria: CeGaT Center For Human Genetics Tuebingen Variant Classification Criteria Version 2. Collection method: clinical testing. Allele origin: germline. Affected: yes. Observed: 1 variant allele.
Comment: GOLGA8F: BP4, BP7

NM_001350920.2(GOLGA8F):c.1284T>C (p.Asp428=)

Gene: GOLGA8F (golgin A8 family member F; plus strand). Cytogenetic location: 15q13.1.
Variant type: single nucleotide variant.
Coding change: c.1284T>C on transcript NM_001350920.2 (MANE Select); coding-DNA position 1284, T replaced by C.
Protein change: p.Asp428=; no amino-acid change (aspartic acid 428 retained).
Molecular consequence: synonymous variant. On other transcripts: non-coding transcript variant (1).
Genome position (GRCh38, 1-based): chr15:28,387,606, T>C. VCF-style: chr15-28387606-T-C. GRCh37 (hg19) VCF-style: chr15-28632752-T-C.
Identifiers: ClinVar variation 3770810 (VCV003770810.13).